The following is an entry in ClinVar:

ClinVar aggregate classification (germline): Uncertain significance (1 of 4 stars; one submission).

Conditions:
Agammaglobulinemia 7, autosomal recessive (AGM7). Also called: AGAMMAGLOBULINEMIA, AUTOSOMAL RECESSIVE, DUE TO PIK3R1 DEFECT. Identifiers: MedGen C3554689, MONDO:0014083, OMIM 615214.
SHORT syndrome. Also called: SHORT STATURE, HYPEREXTENSIBILITY, HERNIA, OCULAR DEPRESSION, RIEGER ANOMALY, AND TEETHING DELAY; LIPODYSTROPHY, PARTIAL, WITH RIEGER ANOMALY AND SHORT STATURE; PIK3R1-Related SHORT Syndrome. Identifiers: Orphanet 3163, MedGen C0878684, MONDO:0010026, OMIM 269880.
Immunodeficiency 36 with lymphoproliferation. Also called: Immunodeficiency 36; Activated PI3K Delta Syndrome Type 2 (APDS2); ACTIVATED PI3K-DELTA SYNDROME 2. Identifiers: Orphanet 397596, Orphanet 693681, MedGen C4014934, MONDO:0014453, OMIM 616005.

Submission:

Labcorp Genetics (formerly Invitae), Labcorp
Classification: Uncertain significance for SHORT syndrome; Immunodeficiency 36 with lymphoproliferation; Agammaglobulinemia 7, autosomal recessive. Last evaluated: 2025-04-23. Review status: criteria provided, single submitter. Criteria: Invitae Variant Classification Sherloc (09022015). Collection method: clinical testing. Allele origin: germline.
Comment: This sequence change falls in intron 8 of the PIK3R1 gene. It does not directly change the encoded amino acid sequence of the PIK3R1 protein. This variant is present in population databases (no rsID available, gnomAD 0.004%). This variant has not been reported in the literature in individuals affected with PIK3R1-related conditions. Experimental studies and prediction algorithms are not available or were not evaluated, and the effect of this variant on mRNA splicing is currently unknown. In summary, the available evidence is currently insufficient to determine the role of this variant in disease. Therefore, it has been classified as a Variant of Uncertain Significance.

NM_181523.3(PIK3R1):c.1020-6_1020-2del

Gene: PIK3R1 (phosphoinositide-3-kinase regulatory subunit 1; plus strand). Cytogenetic location: 5q13.1.
Variant type: Microsatellite.
Coding change: c.1020-6_1020-2del on transcript NM_181523.3 (MANE Select); 6 bases into the intron before coding-DNA position 1020 through the canonical splice acceptor site of the intron before coding-DNA position 1020, 5 bases deleted (TTTCA; older notation c.1020-6_1020-2delTTTCA).
Molecular consequence: splice acceptor variant.
Genome position (GRCh38, 1-based): chr5:68,293,095-68,293,099, TTTCA deleted; deleting any 5 consecutive bases within chr5:68,293,090-68,293,099 gives the same sequence; the c. name uses the placement nearest the transcript's 3' end. VCF-style (leftmost placement, unchanged base first): chr5-68293089-TTTTCA-T. GRCh37 (hg19) VCF-style: chr5-67588917-TTTTCA-T.
Other names: c.120-6_120-2del (NM_181524.2); c.210-6_210-2del (NM_181504.4); c.-70-6_-70-2del (NM_001242466.2).
Identifiers: ClinVar variation 4790217 (VCV004790217.1).
Genomic context (GRCh38, chr5:68,293,089, plus strand): 5'-GCCTATTTTAAAAAATATAAATCTGTGGTCACTAAACCTTAAGATGAGCATTGTTTTGTG[TTTTCA>T]TTTCAGGGAAGAAGTGAATGAAAAACTTCGAGATACAGCAGACGGGACCTTTTTGGTACG-3'